The following is an entry in ClinVar:

NM_005633.4(SOS1):c.1619C>T (p.Ala540Val)

Gene: SOS1 (SOS Ras/Rac guanine nucleotide exchange factor 1; minus strand). Cytogenetic location: 2p22.1.
Variant type: single nucleotide variant.
Coding change: c.1619C>T on transcript NM_005633.4 (MANE Select); coding-DNA position 1619, C replaced by T.
Protein change: p.Ala540Val; replaces alanine 540 with valine.
Molecular consequence: missense variant.
Genome position (GRCh38, 1-based): chr2:39,022,809, G>A on the plus strand (C>T on the coding strand, the complement: SOS1 is on the minus strand). VCF-style: chr2-39022809-G-A. GRCh37 (hg19) VCF-style: chr2-39249950-G-A.
Other names: c.1598C>T, p.Ala533Val (NM_001382394.1); c.1619C>T, p.Ala540Val (NM_001382395.1); short protein forms A533V, A540V.
Identifiers: ClinVar variation 1052326 (VCV001052326.9), dbSNP rs2124536870, ClinGen allele CA346365749.

ClinVar aggregate classification (germline): Uncertain significance (1 of 4 stars; one submission).

Conditions:
RASopathy. Also called: rasopathies; Noonan spectrum disorder. Identifiers: Orphanet 536391, MedGen C5555857, MONDO:0021060.

Submission:

Labcorp Genetics (formerly Invitae), Labcorp
Classification: Uncertain significance for RASopathy. Last evaluated: 2022-09-16. Review status: criteria provided, single submitter. Criteria: Invitae Variant Classification Sherloc (09022015). Collection method: clinical testing. Allele origin: germline.
Comment: This sequence change replaces alanine, which is neutral and non-polar, with valine, which is neutral and non-polar, at codon 540 of the SOS1 protein (p.Ala540Val). This variant is not present in population databases (gnomAD no frequency). This variant has not been reported in the literature in individuals affected with SOS1-related conditions. ClinVar contains an entry for this variant (Variation ID: 1052326). Algorithms developed to predict the effect of missense changes on protein structure and function (SIFT, PolyPhen-2, Align-GVGD) all suggest that this variant is likely to be tolerated. In summary, the available evidence is currently insufficient to determine the role of this variant in disease. Therefore, it has been classified as a Variant of Uncertain Significance.